The following is an entry in ClinVar:

ClinVar aggregate classification (germline): Likely pathogenic (1 of 4 stars; one submission).

Conditions:
Polycystic kidney disease, adult type (PKD1). Also called: Polycystic Kidney, Autosomal Dominant; POLYCYSTIC KIDNEY DISEASE 1 WITH OR WITHOUT POLYCYSTIC LIVER DISEASE; Polycystic Kidney Disease 1, Autosomal Dominant; Polycystic kidney disease 1; Polycystic kidney disease 1, severe; POLYCYSTIC KIDNEY DISEASE, ADULT, TYPE I. Identifiers: MedGen C3149841, MONDO:0008263, OMIM 173900.

Submission:

Genomics, Clalit Research Institute, Clalit Health Care
Classification: Likely pathogenic for Polycystic kidney disease, adult type. Last evaluated: 2025-01-26. Review status: criteria provided, single submitter. Criteria: ACMG Guidelines, 2015. Collection method: clinical testing. Allele origin: germline. Inheritance: Autosomal dominant inheritance. Affected: yes. Observed: 1 heterozygote.
Comment: Inheritance: The variant was identified in the Heterozygous state in the sample. Frequency: The variant is absent from the gnomAD reference population dataset. Variant type: Null variant (frameshift indel) in a gene where LOF is a known mechanism of disease.

NM_001009944.3(PKD1):c.5271del (p.Gly1757_Leu1758insTer)

Gene: PKD1 (polycystin 1, transient receptor potential channel interacting; minus strand). Cytogenetic location: 16p13.3.
Variant type: Deletion.
Coding change: c.5271del on transcript NM_001009944.3 (MANE Select); coding-DNA position 5271, one base deleted (G; older notation c.5271delG).
Protein change: p.Gly1757_Leu1758insTer.
Molecular consequence: frameshift variant.
Genome position (GRCh38, 1-based): chr16:2,109,896, C deleted on the plus strand (G on the coding strand, the reverse complement: PKD1 is on the minus strand); the first of 4 consecutive C bases (chr16:2,109,896-2,109,899); deleting any one gives the same sequence. VCF-style (leftmost placement, unchanged base first): chr16-2109895-GC-G. GRCh37 (hg19) VCF-style: chr16-2159896-GC-G.
Other names: c.5271del, p.Gly1757_Leu1758insTer (NM_000296.4).
Identifiers: ClinVar variation 3773871 (VCV003773871.2).